The following is an entry in ClinVar:

ClinVar aggregate classification (germline): Uncertain significance. Review status: criteria provided, multiple submitters, no conflicts (2 of 4 stars). 2 submissions from 2 submitters: Uncertain significance (2). Last evaluated 2025-02-12.

Conditions:
Inborn genetic diseases. Identifiers: MedGen C0950123, MeSH D030342.

Allele frequency attached by ClinVar (database versions not stated): TOPMed below 0.00001.

Submissions (2):

Ambry Genetics
Classification: Uncertain significance for Inborn genetic diseases. Last evaluated: 2025-02-12. Review status: criteria provided, single submitter. Criteria: Ambry Variant Classification Scheme 2023. Collection method: clinical testing. Allele origin: germline.

Labcorp Genetics (formerly Invitae), Labcorp
Classification: Uncertain significance. Last evaluated: 2024-10-16. Review status: criteria provided, single submitter. Criteria: Invitae Variant Classification Sherloc (09022015). Collection method: clinical testing. Allele origin: germline.
Comment: This sequence change replaces histidine, which is basic and polar, with arginine, which is basic and polar, at codon 1282 of the SPTBN2 protein (p.His1282Arg). This variant is not present in population databases (gnomAD no frequency). This variant has not been reported in the literature in individuals affected with SPTBN2-related conditions. Invitae Evidence Modeling of protein sequence and biophysical properties (such as structural, functional, and spatial information, amino acid conservation, physicochemical variation, residue mobility, and thermodynamic stability) indicates that this missense variant is not expected to disrupt SPTBN2 protein function with a negative predictive value of 80%. In summary, the available evidence is currently insufficient to determine the role of this variant in disease. Therefore, it has been classified as a Variant of Uncertain Significance.

NM_006946.4(SPTBN2):c.3845A>G (p.His1282Arg)

Gene: SPTBN2 (spectrin beta, non-erythrocytic 2; minus strand). Cytogenetic location: 11q13.2.
Variant type: single nucleotide variant.
Coding change: c.3845A>G on transcript NM_006946.4 (MANE Select); coding-DNA position 3845, A replaced by G.
Protein change: p.His1282Arg; replaces histidine 1282 with arginine.
Molecular consequence: missense variant.
Genome position (GRCh38, 1-based): chr11:66,699,014, T>C on the plus strand (A>G on the coding strand, the complement: SPTBN2 is on the minus strand). VCF-style: chr11-66699014-T-C. GRCh37 (hg19) VCF-style: chr11-66466485-T-C.
Other names: c.3845A>G (NM_006946.2); c.3866A>G, p.His1289Arg (NM_001411025.1); short protein forms H1289R, H1282R.
Identifiers: ClinVar variation 2777057 (VCV002777057.4), dbSNP rs1941094027, ClinGen allele CA381471634.